The following is an entry in ClinVar:

ClinVar aggregate classification (germline): Uncertain significance. Review status: criteria provided, multiple submitters, no conflicts (2 of 4 stars). 3 submissions from 3 submitters: Uncertain significance (3). Last evaluated 2022-08-12.

Conditions:
Mucopolysaccharidosis, MPS-III-B (MPS3B). Also called: MUCOPOLYSACCHARIDOSIS, TYPE IIIB; N-ACETYL-ALPHA-D-GLUCOSAMINIDASE DEFICIENCY; NAGLU DEFICIENCY; SANFILIPPO SYNDROME B; MPS III B; Mucopolysaccharidosis type IIIB (Sanfilippo B). Identifiers: Orphanet 79270, MedGen C0086648, MONDO:0009656, OMIM 252920.
Charcot-Marie-Tooth disease axonal type 2V. Also called: CHARCOT-MARIE-TOOTH NEUROPATHY, TYPE 2V; CHARCOT-MARIE-TOOTH DISEASE, AXONAL, AUTOSOMAL DOMINANT, TYPE 2V. Identifiers: Orphanet 447964, MedGen C5569050, MONDO:0014665, OMIM 616491.

Allele frequency attached by ClinVar (database versions not stated): TOPMed 0.00002.
gnomAD v4.1: 43 of 1,608,482 alleles (0.0027%); highest among the groups gnomAD compares: Admixed American, 0.0084%; no homozygotes.

Submissions (3):

Labcorp Genetics (formerly Invitae), Labcorp
Classification: Uncertain significance for Charcot-Marie-Tooth disease axonal type 2V; Mucopolysaccharidosis, MPS-III-B. Last evaluated: 2022-08-12. Review status: criteria provided, single submitter. Criteria: Invitae Variant Classification Sherloc (09022015). Collection method: clinical testing. Allele origin: germline.
Comment: This sequence change replaces valine, which is neutral and non-polar, with isoleucine, which is neutral and non-polar, at codon 597 of the NAGLU protein (p.Val597Ile). This variant is present in population databases (rs759978970, gnomAD 0.01%). This variant has not been reported in the literature in individuals affected with NAGLU-related conditions. ClinVar contains an entry for this variant (Variation ID: 891436). Advanced modeling of protein sequence and biophysical properties (such as structural, functional, and spatial information, amino acid conservation, physicochemical variation, residue mobility, and thermodynamic stability) performed at Invitae indicates that this missense variant is not expected to disrupt NAGLU protein function. In summary, the available evidence is currently insufficient to determine the role of this variant in disease. Therefore, it has been classified as a Variant of Uncertain Significance.

Illumina Laboratory Services, Illumina
Classification: Uncertain significance for Mucopolysaccharidosis, MPS-III-B. Last evaluated: 2018-01-13. Review status: criteria provided, single submitter. Criteria: ICSL Variant Classification Criteria 13 December 2019. Collection method: clinical testing. Allele origin: germline.

Breakthrough Genomics
Classification: Uncertain significance. Review status: criteria provided, single submitter. Criteria: ACMG Guidelines, 2015. Collection method: not provided. Allele origin: germline. Inheritance: Autosomal recessive inheritance. Affected: yes.

NM_000263.4(NAGLU):c.1789G>A (p.Val597Ile)

Gene: NAGLU (N-acetyl-alpha-glucosaminidase; plus strand). Cytogenetic location: 17q21.2.
Variant type: single nucleotide variant.
Coding change: c.1789G>A on transcript NM_000263.4 (MANE Select); coding-DNA position 1789, G replaced by A.
Protein change: p.Val597Ile; replaces valine 597 with isoleucine.
Molecular consequence: missense variant.
Genome position (GRCh38, 1-based): chr17:42,543,795, G>A. VCF-style: chr17-42543795-G-A. GRCh37 (hg19) VCF-style: chr17-40695813-G-A.
Other names: short protein forms V597I.
Identifiers: ClinVar variation 891436 (VCV000891436.6), dbSNP rs759978970, ClinGen allele CA8577094.